The following is an entry in ClinVar:

NM_001854.4(COL11A1):c.651+16A>G

Gene: COL11A1 (collagen type XI alpha 1 chain; minus strand). Cytogenetic location: 1p21.1.
Variant type: single nucleotide variant.
Coding change: c.651+16A>G on transcript NM_001854.4 (MANE Select); 16 bases into the intron after coding-DNA position 651, A replaced by G.
Molecular consequence: intron variant.
Genome position (GRCh38, 1-based): chr1:103,074,602, T>C on the plus strand (A>G on the coding strand, the complement: COL11A1 is on the minus strand). VCF-style: chr1-103074602-T-C. GRCh37 (hg19) VCF-style: chr1-103540158-T-C.
Other names: c.651+16A>G (NM_001190709.2, NM_080629.3, NM_080630.4).
Identifiers: ClinVar variation 258473 (VCV000258473.13), dbSNP rs116303092, ClinGen allele CA975393.

ClinVar aggregate classification (germline): Benign. Review status: criteria provided, multiple submitters, no conflicts (2 of 4 stars). 6 submissions from 6 submitters: Benign (6). Last evaluated 2026-05-13.

Conditions:
Marshall syndrome (MRSHS). Identifiers: Orphanet 560, MedGen C0265235, MONDO:0007949, OMIM 154780.
Fibrochondrogenesis 1 (FBCG1). Identifiers: Orphanet 2021, MedGen C3278138, MONDO:0009226, OMIM 228520.
Hearing loss, autosomal dominant 37. Also called: DEAFNESS, AUTOSOMAL DOMINANT 37. Identifiers: MedGen C4760307, MONDO:0032802, OMIM 618533.
Intervertebral disc disorder (IDD). Also called: INTERVERTEBRAL DISC DISEASE; Lumbar disk degenerative disorder. Identifiers: MedGen C0158252, MONDO:0044339, OMIM 603932.
Stickler syndrome type 2 (STL2). Also called: COL11A1-Related Stickler Syndrome; STICKLER SYNDROME, TYPE II; STICKLER SYNDROME, BEADED VITREOUS TYPE; STICKLER SYNDROME, VITREOUS TYPE 2. Identifiers: Orphanet 828, Orphanet 90654, MedGen C1858084, MONDO:0011493, OMIM 604841.

Allele frequency attached by ClinVar (database versions not stated): gnomAD 0.01459 and 0.01555; TOPMed 0.01645; ESP Exome Variant Server 0.01822; 1000 Genomes Project 0.01757; 1000 Genomes Project 30x 0.01811.
gnomAD v4.1: 4,295 of 1,612,216 alleles (0.27%); highest among the groups gnomAD compares: African/African-American, 5.1%; 93 homozygotes.

Submissions (6):

Women's Health and Genetics/Laboratory Corporation of America, LabCorp
Classification: Benign. Last evaluated: 2026-05-13. Review status: criteria provided, single submitter. Criteria: LabCorp Variant Classification Summary - May 2015. Collection method: clinical testing. Allele origin: germline.

Labcorp Genetics (formerly Invitae), Labcorp
Classification: Benign. Last evaluated: 2026-02-03. Review status: criteria provided, single submitter. Criteria: Invitae Variant Classification Sherloc (09022015). Collection method: clinical testing. Allele origin: germline.

ARUP Laboratories, Molecular Genetics and Genomics, ARUP Laboratories
Classification: Benign. Last evaluated: 2024-09-30. Review status: criteria provided, single submitter. Criteria: ARUP Molecular Germline Variant Investigation Process 2024. Collection method: clinical testing. Allele origin: germline.

Fulgent Genetics
Classification: Benign for Marshall syndrome; Fibrochondrogenesis 1; Intervertebral disc disorder; Stickler syndrome type 2; Hearing loss, autosomal dominant 37. Last evaluated: 2021-07-30. Review status: criteria provided, single submitter. Criteria: ACMG Guidelines, 2015. Collection method: clinical testing. Allele origin: unknown.

GeneDx
Classification: Benign. Last evaluated: 2016-12-20. Review status: criteria provided, single submitter. Criteria: GeneDx Variant Classification (06012015). Collection method: clinical testing. Allele origin: germline. Affected: yes.
Comment: This variant is considered likely benign or benign based on one or more of the following criteria: it is a conservative change, it occurs at a poorly conserved position in the protein, it is predicted to be benign by multiple in silico algorithms, and/or has population frequency not consistent with disease.

PreventionGenetics, part of Exact Sciences
Classification: Benign. Review status: criteria provided, single submitter. Criteria: ACMG Guidelines, 2015. Collection method: clinical testing. Allele origin: germline.